The following is an entry in ClinVar:

NM_001267550.2(TTN):c.17032_17033del (p.Arg5678fs)

Genes: TTN (titin; minus strand), LOC126806431 (CDK7 strongly-dependent group 2 enhancer GRCh37_chr2:179595719-179596918; plus strand). Cytogenetic location: 2q31.2.
Variant type: Deletion.
Coding change: c.17032_17033del on transcript NM_001267550.2 (MANE Select); coding-DNA positions 17032 to 17033, 2 bases deleted (CG; older notation c.17032_17033delCG).
Protein change: p.Arg5678fs; shifts the reading frame from arginine 5678.
Molecular consequence: frameshift variant. On other transcripts: intron variant (3).
Genome position (GRCh38, 1-based): chr2:178,731,842-178,731,843, CG deleted on the plus strand (CG on the coding strand, the reverse complement: TTN is on the minus strand); deleting any 2 consecutive bases within chr2:178,731,842-178,731,844 gives the same sequence; the c. name uses the placement nearest the transcript's 3' end. VCF-style (leftmost placement, unchanged base first): chr2-178731841-TCG-T. GRCh37 (hg19) VCF-style: chr2-179596568-TCG-T.
Other names: c.16081_16082del, p.Arg5361fs (NM_001256850.1); c.13300_13301del, p.Arg4434fs (NM_133378.4); c.13282+6239_13282+6240del (NM_003319.4); c.13858+6239_13858+6240del (NM_133437.4); c.13657+6239_13657+6240del (NM_133432.3); short protein forms R5678fs, R4434fs, R5361fs.
Identifiers: ClinVar variation 2126884 (VCV002126884.4), dbSNP rs2530086190, ClinGen allele CA2580065270.
Genomic context (GRCh38, chr2:178,731,841, plus strand): 5'-CTTGAGGATCTGCAGGCTAACCAGATGATCCTGAATGAAAGTCTTATACTTTCTACCACT[TCG>T]CAGGATTGTGTTATCTTTGAACCAAGTGATCTCAAAGGGAGGAGTGCCTGCCACCTCAGC-3'

ClinVar aggregate classification (germline): Likely pathogenic (1 of 4 stars; one submission).

Conditions:
Dilated cardiomyopathy 1G (CMD1G). Identifiers: Orphanet 154, MedGen C1858763, MONDO:0011400, OMIM 604145.
Autosomal recessive limb-girdle muscular dystrophy type 2J (LGMDR10). Also called: Limb-girdle muscular dystrophy, type 2J; MUSCULAR DYSTROPHY, LIMB-GIRDLE, AUTOSOMAL RECESSIVE 10. Identifiers: Orphanet 140922, MedGen C1837342, MONDO:0012127, OMIM 608807.

Submission:

Labcorp Genetics (formerly Invitae), Labcorp
Classification: Likely pathogenic for Dilated cardiomyopathy 1G; Autosomal recessive limb-girdle muscular dystrophy type 2J. Last evaluated: 2024-10-18. Review status: criteria provided, single submitter. Criteria: Invitae Variant Classification Sherloc (09022015). Collection method: clinical testing. Allele origin: germline.
Comment: This sequence change creates a premature translational stop signal (p.Arg5678Lysfs*3) in the TTN gene. While this is not anticipated to result in nonsense mediated decay, it is expected to create a truncated TTN protein. This variant is not present in population databases (gnomAD no frequency). This variant has not been reported in the literature in individuals affected with TTN-related conditions. ClinVar contains an entry for this variant (Variation ID: 2126884). Algorithms developed to predict the effect of sequence changes on RNA splicing suggest that this variant may disrupt the consensus splice site. This variant is located in the I band of TTN (PMID: 25589632). Truncating variants in this region have been reported in individuals affected with autosomal recessive centronuclear myopathy (PMID: 23975875, internal data). Truncating variants in this region have also been identified in individuals affected with autosomal dominant dilated cardiomyopathy and/or cardio-related conditions (PMID: 27869827, 32964742, internal data). In summary, the currently available evidence indicates that the variant is pathogenic, but additional data are needed to prove that conclusively. Therefore, this variant has been classified as Likely Pathogenic.

Literature cited by the submitters: PubMed 25589632; PubMed 23975875; PubMed 27869827; PubMed 32964742.